The following is an entry in ClinVar:

ClinVar aggregate classification (germline): Uncertain significance (1 of 4 stars; one submission).

gnomAD v4.1: 8 of 1,613,962 alleles (0.0005%); highest among the groups gnomAD compares: Admixed American, 0.01%; no homozygotes.

Submission:

Labcorp Genetics (formerly Invitae), Labcorp
Classification: Uncertain significance. Last evaluated: 2025-01-28. Review status: criteria provided, single submitter. Criteria: Invitae Variant Classification Sherloc (09022015). Collection method: clinical testing. Allele origin: germline.
Comment: This sequence change replaces alanine, which is neutral and non-polar, with valine, which is neutral and non-polar, at codon 686 of the DLC1 protein (p.Ala686Val). This variant is present in population databases (no rsID available, gnomAD 0.003%). This variant has not been reported in the literature in individuals affected with DLC1-related conditions. An algorithm developed to predict the effect of missense changes on protein structure and function outputs the following: PolyPhen-2: "Benign". The valine amino acid residue is found in multiple mammalian species, which suggests that this missense change does not adversely affect protein function. In summary, the available evidence is currently insufficient to determine the role of this variant in disease. Therefore, it has been classified as a Variant of Uncertain Significance.

NM_182643.3(DLC1):c.2057C>T (p.Ala686Val)

Gene: DLC1 (DLC1 Rho GTPase activating protein; minus strand). Cytogenetic location: 8p22.
Variant type: single nucleotide variant.
Coding change: c.2057C>T on transcript NM_182643.3 (MANE Select); coding-DNA position 2057, C replaced by T.
Protein change: p.Ala686Val; replaces alanine 686 with valine.
Molecular consequence: missense variant.
Genome position (GRCh38, 1-based): chr8:13,100,280, G>A on the plus strand (C>T on the coding strand, the complement: DLC1 is on the minus strand). VCF-style: chr8-13100280-G-A. GRCh37 (hg19) VCF-style: chr8-12957789-G-A.
Other names: c.524C>T, p.Ala175Val (NM_001164271.2, NM_001348082.2, NM_001348083.1 and 6 more transcripts); c.848C>T, p.Ala283Val (NM_001316668.2, NM_001413129.1); c.2057C>T, p.Ala686Val (NM_001348081.2, NM_001413124.1); c.839C>T, p.Ala280Val (NM_001413130.1); c.497C>T, p.Ala166Val (NM_001413131.1, NM_001413137.1); c.983C>T, p.Ala328Val (NM_001413132.1); c.746C>T, p.Ala249Val (NM_001413135.1, NM_001413136.1, NM_001413139.1 and 1 more transcripts); c.881C>T, p.Ala294Val (NM_001413140.1); short protein forms A175V, A294V, A686V, A166V, A283V, A328V, A249V, A280V.
Identifiers: ClinVar variation 3664429 (VCV003664429.1).
Genomic context (GRCh38, chr8:13,100,280, plus strand): 5'-TCCTCATCCATCCCCTCTTGCAAGATGGGCCCGCTGATGATCAACCCCAGCTTTGAGGGC[G>A]CTTTGTGCTTGCTGTGATGGGAGCTCTTGAGCTTCAGGCTCTCCATCCGTTTCAGCAGAC-3'
Protein context (NP_872584.2, residues 676-696): LKSSHHSKHK[Ala686Val]PSKLGLIISG